The following is an entry in ClinVar:

NM_130468.4(CHST14):c.448C>T (p.Leu150Phe)

Gene: CHST14 (carbohydrate sulfotransferase 14; plus strand). Cytogenetic location: 15q15.1.
Variant type: single nucleotide variant.
Coding change: c.448C>T on transcript NM_130468.4 (MANE Select); coding-DNA position 448, C replaced by T.
Protein change: p.Leu150Phe; replaces leucine 150 with phenylalanine.
Molecular consequence: missense variant.
Genome position (GRCh38, 1-based): chr15:40,471,661, C>T. VCF-style: chr15-40471661-C-T. GRCh37 (hg19) VCF-style: chr15-40763860-C-T.
Other names: short protein forms L150F.
Identifiers: ClinVar variation 2451978 (VCV002451978.2), dbSNP rs2141570771, ClinGen allele CA391765713.

ClinVar aggregate classification (germline): Uncertain significance (1 of 4 stars; one submission).

Conditions:
Cardiovascular phenotype. Identifiers: MedGen CN230736.

Allele frequency attached by ClinVar (database versions not stated): gnomAD exomes below 0.00001.

Submission:

Ambry Genetics
Classification: Uncertain significance for Cardiovascular phenotype. Last evaluated: 2022-12-18. Review status: criteria provided, single submitter. Criteria: Ambry Variant Classification Scheme 2023. Collection method: clinical testing. Allele origin: germline.
Comment: The p.L150F variant (also known as c.448C>T), located in coding exon 1 of the CHST14 gene, results from a C to T substitution at nucleotide position 448. The leucine at codon 150 is replaced by phenylalanine, an amino acid with highly similar properties. This amino acid position is conserved. In addition, the in silico prediction for this alteration is inconclusive. Since supporting evidence is limited at this time, the clinical significance of this alteration remains unclear.